The following is an entry in ClinVar:

NM_001103.4(ACTN2):c.18C>T (p.Pro6=)

Gene: ACTN2 (actinin alpha 2; plus strand). Cytogenetic location: 1q43.
Variant type: single nucleotide variant.
Coding change: c.18C>T on transcript NM_001103.4 (MANE Select); coding-DNA position 18, C replaced by T.
Protein change: p.Pro6=; no amino-acid change (proline 6 retained).
Molecular consequence: synonymous variant. On other transcripts: 5 prime UTR variant (1).
Genome position (GRCh38, 1-based): chr1:236,686,691, C>T. VCF-style: chr1-236686691-C-T. GRCh37 (hg19) VCF-style: chr1-236849991-C-T.
Other names: c.18C>T, p.Pro6= (NM_001278343.2); c.-804C>T (NM_001278344.2).
Identifiers: ClinVar variation 43919 (VCV000043919.37), dbSNP rs368367224, ClinGen allele CA133158.
Genomic context (GRCh38, chr1:236,686,691, plus strand): 5'-CGAGCCCCTCGCGCCCCGCCGCAGCCCCGGCCAACCGAGCGCCATGAACCAGATAGAGCC[C>T]GGCGTGCAGTACAACTACGTGTACGACGAGGATGAGTACATGATCCAGGAGGAGGAGTGG-3'
Protein context (NP_001094.1, residues 1-16): MNQIE[Pro6=]GVQYNYVYDE

ClinVar aggregate classification (germline): Benign/Likely benign. Review status: criteria provided, multiple submitters, no conflicts (2 of 4 stars). 10 submissions from 10 submitters: Benign (1); Likely benign (9). Last evaluated 2026-04-28.

Conditions:
ACTN2-related disorder. Also called: ACTN2-related disorders; ACTN2 related condition.
Cardiovascular phenotype. Identifiers: MedGen CN230736.
Primary familial hypertrophic cardiomyopathy (HCM). Identifiers: Orphanet 99739, MedGen C0949658, MeSH D024741, MONDO:0024573. Inheritance: Various modes of inheritance.
Dilated cardiomyopathy 1AA (CMD1AA). Also called: CARDIOMYOPATHY, DILATED, 1AA, WITH OR WITHOUT LEFT VENTRICULAR NONCOMPACTION; CARDIOMYOPATHY, FAMILIAL HYPERTROPHIC, 23, WITH OR WITHOUT LEFT VENTRICULAR NONCOMPACTION; Cardiomyopathy, dilated, 1AA, with or without LVNC. Identifiers: Orphanet 154, MedGen C2677338, MONDO:0012808, OMIM 612158.

Allele frequency attached by ClinVar (database versions not stated): gnomAD 0.00003; TOPMed 0.00008; ESP Exome Variant Server 0.00015.
gnomAD v4.1: 115 of 1,563,972 alleles (0.0074%); highest among the groups gnomAD compares: Non-Finnish European, 0.0093%; no homozygotes.

Submissions (10):

PreventionGenetics, part of Exact Sciences
Classification: Likely benign for ACTN2-related condition. Last evaluated: 2026-04-28. Review status: criteria provided, single submitter. Criteria: ACMG Guidelines, 2015. Collection method: clinical testing. Allele origin: germline.
Comment: This variant is classified as likely benign based on ACMG/AMP sequence variant interpretation guidelines (Richards et al. 2015 PMID: 25741868, with internal and published modifications).

Molecular Diagnostic Laboratory for Inherited Cardiovascular Disease, Montreal Heart Institute
Classification: Likely benign. Last evaluated: 2026-03-27. Review status: criteria provided, single submitter. Criteria: ACMG Guidelines, 2015. Collection method: clinical testing. Allele origin: germline. Affected: no.
Comment: BS1;BP7

Labcorp Genetics (formerly Invitae), Labcorp
Classification: Likely benign for Primary familial hypertrophic cardiomyopathy; Dilated cardiomyopathy 1AA. Last evaluated: 2026-01-20. Review status: criteria provided, single submitter. Criteria: Invitae Variant Classification Sherloc (09022015). Collection method: clinical testing. Allele origin: germline.

ARUP Laboratories, Molecular Genetics and Genomics, ARUP Laboratories
Classification: Likely benign. Last evaluated: 2025-05-22. Review status: criteria provided, single submitter. Criteria: ARUP Molecular Germline Variant Investigation Process 2024. Collection method: clinical testing. Allele origin: germline.

CeGaT Center for Human Genetics Tuebingen
Classification: Likely benign. Last evaluated: 2025-05-01. Review status: criteria provided, single submitter. Criteria: CeGaT Center For Human Genetics Tuebingen Variant Classification Criteria Version 2. Collection method: clinical testing. Allele origin: germline. Affected: yes. Observed: 2 variant alleles.
Comment: ACTN2: BP4, BP7

Blueprint Genetics
Classification: Likely benign. Last evaluated: 2024-10-14. Review status: criteria provided, single submitter. Criteria: ACMG Guidelines, 2015. Collection method: clinical testing. Allele origin: germline.

GeneDx
Classification: Likely benign. Last evaluated: 2021-10-12. Review status: criteria provided, single submitter. Criteria: GeneDx Variant Classification Process June 2021. Collection method: clinical testing. Allele origin: germline. Affected: yes.
Comment: This variant is associated with the following publications: (PMID: 24503780)

Ambry Genetics
Classification: Likely benign for Cardiovascular phenotype. Last evaluated: 2020-03-24. Review status: criteria provided, single submitter. Criteria: Ambry Variant Classification Scheme 2023. Collection method: clinical testing. Allele origin: germline.

Women's Health and Genetics/Laboratory Corporation of America, LabCorp
Classification: Benign. Last evaluated: 2019-09-14. Review status: criteria provided, single submitter. Criteria: LabCorp Variant Classification Summary - May 2015. Collection method: clinical testing. Allele origin: germline.

Laboratory for Molecular Medicine, Mass General Brigham Personalized Medicine
Classification: Likely benign. Last evaluated: 2014-08-14. Review status: criteria provided, single submitter. Criteria: LMM Criteria. Collection method: clinical testing. Allele origin: germline. Observed: 1 variant allele.
Comment: proposed classification - variant undergoing re-assessment, contact laboratory